The following is an entry in ClinVar:

NM_021009.7(UBC):c.507G>C (p.Val169=)

Gene: UBC (ubiquitin C; minus strand). Cytogenetic location: 12q24.31.
Variant type: single nucleotide variant.
Coding change: c.507G>C on transcript NM_021009.7 (MANE Select); coding-DNA position 507, G replaced by C.
Protein change: p.Val169=; no amino-acid change (valine 169 retained).
Molecular consequence: synonymous variant.
Genome position (GRCh38, 1-based): chr12:124,913,265, C>G on the plus strand (G>C on the coding strand, the complement: UBC is on the minus strand). VCF-style: chr12-124913265-C-G. GRCh37 (hg19) VCF-style: chr12-125397811-C-G.
Identifiers: ClinVar variation 4084603 (VCV004084603.8).
Genomic context (GRCh38, chr12:124,913,265, plus strand): 5'-AGGAATGCCTTCCTTATCTTGGATCTTTGCCTTGACATTCTCGATGGTGTCACTGGGCTC[C>G]ACCTCGAGGGTGATGGTCTTACCAGTCAGGGTCTTCACGAAGATCTGCATCCCACCTCTG-3'
Protein context (NP_066289.3, residues 159-179): TLTGKTITLE[Val169=]EPSDTIENVK

ClinVar aggregate classification (germline): Likely benign (1 of 4 stars; one submission).

Submission:

CeGaT Center for Human Genetics Tuebingen
Classification: Likely benign. Last evaluated: 2025-06-01. Review status: criteria provided, single submitter. Criteria: CeGaT Center For Human Genetics Tuebingen Variant Classification Criteria Version 2. Collection method: clinical testing. Allele origin: germline. Affected: yes. Observed: 1 variant allele.
Comment: UBC: BP4, BP7